The following is an entry in ClinVar:

ClinVar aggregate classification (germline): Likely benign. Review status: reviewed by expert panel (3 of 4 stars). 8 submissions from 8 submitters: Likely benign (1). 7 of the submissions do not count toward it. Last evaluated 2017-06-29.

Conditions:
Hereditary cancer-predisposing syndrome. Also called: Neoplastic Syndromes, Hereditary; Hereditary Cancer Syndrome; Tumor predisposition; Hereditary neoplastic syndrome. Identifiers: Orphanet 140162, MedGen C0027672, MeSH D009386, MONDO:0015356.
Hereditary breast ovarian cancer syndrome. Also called: Breast and ovarian cancer; BRCA1- and BRCA2-Associated Hereditary Breast and Ovarian Cancer; Hereditary breast and ovarian cancer syndrome; Hereditary breast and ovarian cancer syndrome (HBOC); Hereditary breast and/or ovarian cancer syndrome; Hereditary breast and ovarian cancer. Identifiers: Orphanet 145, MedGen C0677776, MeSH D061325, MONDO:0003582. Disease mechanism: loss of function.
Breast-ovarian cancer, familial, susceptibility to, 2 (BROVCA2). Also called: BRCA2 Hereditary Breast and Ovarian Cancer. Identifiers: Orphanet 145, MedGen C2675520, MONDO:0012933, OMIM 612555. Disease mechanism: loss of function.

Allele frequency attached by ClinVar (database versions not stated): gnomAD exomes below 0.00001 and 0.00001; ExAC 0.00001.
gnomAD v4.1: 3 of 1,612,354 alleles (0.00019%); highest among the groups gnomAD compares: Middle Eastern, 0.017%; no homozygotes.

Submissions (8):

Evidence-based Network for the Interpretation of Germline Mutant Alleles (ENIGMA)
Classification: Likely benign for Breast-ovarian cancer, familial, susceptibility to, 2. Last evaluated: 2017-06-29. Review status: reviewed by expert panel. Criteria: ENIGMA BRCA1/2 Classification Criteria (2017-06-29). Collection method: curation. Allele origin: germline.
Comment: Synonymous substitution variant, with low bioinformatic likelihood to result in a splicing aberration (Splicing prior probability 0.02).

Labcorp Genetics (formerly Invitae), Labcorp
Classification: Likely benign for Hereditary breast ovarian cancer syndrome. Last evaluated: 2026-01-19. Review status: criteria provided, single submitter. Criteria: Invitae Variant Classification Sherloc (09022015). Collection method: clinical testing. Allele origin: germline. Not counted in ClinVar's aggregate classification.

Blueprint Genetics
Classification: Likely benign. Last evaluated: 2024-08-02. Review status: criteria provided, single submitter. Criteria: ACMG Guidelines, 2015. Collection method: clinical testing. Allele origin: germline. Not counted in ClinVar's aggregate classification.

All of Us Research Program, National Institutes of Health
Classification: Likely benign for Breast-ovarian cancer, familial, susceptibility to, 2. Last evaluated: 2023-04-28. Review status: criteria provided, single submitter. Criteria: ACMG Guidelines, 2015. Collection method: clinical testing. Allele origin: germline. Inheritance: Autosomal dominant inheritance. Observed: 1 variant allele, 1 heterozygote. Not counted in ClinVar's aggregate classification.
Comment: This study involves interpretation of variants in research participants for the purpose of population health screening. Participant phenotype was not available at the time of variant classification. Additional details can be found in publication PMID: 35346344, PMCID: PMC8962531

Color Diagnostics, LLC DBA Color Health
Classification: Likely benign for Hereditary cancer-predisposing syndrome. Last evaluated: 2023-03-06. Review status: criteria provided, single submitter. Criteria: ACMG Guidelines, 2015. Collection method: clinical testing. Allele origin: germline. Not counted in ClinVar's aggregate classification.

Women's Health and Genetics/Laboratory Corporation of America, LabCorp
Classification: Likely benign. Last evaluated: 2019-08-21. Review status: criteria provided, single submitter. Criteria: LabCorp Variant Classification Summary - May 2015. Collection method: clinical testing. Allele origin: germline. Not counted in ClinVar's aggregate classification.

Quest Diagnostics Nichols Institute San Juan Capistrano
Classification: Likely benign. Last evaluated: 2017-01-11. Review status: criteria provided, single submitter. Criteria: Quest Diagnostics criteria. Collection method: clinical testing. Allele origin: germline. Not counted in ClinVar's aggregate classification.

Ambry Genetics
Classification: Likely benign for Hereditary cancer-predisposing syndrome. Last evaluated: 2015-10-26. Review status: criteria provided, single submitter. Criteria: Ambry Variant Classification Scheme 2023. Collection method: clinical testing. Allele origin: germline. Not counted in ClinVar's aggregate classification.

NM_000059.4(BRCA2):c.5289C>T (p.Leu1763=)

Gene: BRCA2 (BRCA2 DNA repair associated; plus strand). Cytogenetic location: 13q13.1.
Variant type: single nucleotide variant.
Coding change: c.5289C>T on transcript NM_000059.4 (MANE Select); coding-DNA position 5289, C replaced by T.
Protein change: p.Leu1763=; no amino-acid change (leucine 1763 retained).
Molecular consequence: synonymous variant.
Genome position (GRCh38, 1-based): chr13:32,339,644, C>T. VCF-style: chr13-32339644-C-T. GRCh37 (hg19) VCF-style: chr13-32913781-C-T.
Identifiers: ClinVar variation 236878 (VCV000236878.23), dbSNP rs763052573, ClinGen allele CA6940864.
Genomic context (GRCh38, chr13:32,339,644, plus strand): 5'-TAGCATGTCTAACAGCTATTCCTACCATTCTGATGAGGTATATAATGATTCAGGATATCT[C>T]TCAAAAAATAAACTTGATTCTGGTATTGAGCCAGTATTGAAGAATGTTGAAGATCAAAAA-3'
Protein context (NP_000050.3, residues 1753-1773): SDEVYNDSGY[Leu1763=]SKNKLDSGIE